The following is an entry in ClinVar:

ClinVar aggregate classification (germline): Uncertain significance (1 of 4 stars; one submission).

Submission:

GeneDx
Classification: Uncertain significance. Last evaluated: 2024-12-06. Review status: criteria provided, single submitter. Criteria: GeneDx Variant Classification Process June 2021. Collection method: clinical testing. Allele origin: germline. Affected: yes.
Comment: Not observed at significant frequency in large population cohorts (gnomAD); In silico analysis supports that this missense variant has a deleterious effect on protein structure/function; Has not been previously published as pathogenic or benign to our knowledge

NM_002474.3(MYH11):c.211G>T (p.Val71Phe)

Gene: MYH11 (myosin heavy chain 11; minus strand). Cytogenetic location: 16p13.11.
Variant type: single nucleotide variant.
Coding change: c.211G>T on transcript NM_002474.3 (MANE Select); coding-DNA position 211, G replaced by T.
Protein change: p.Val71Phe; replaces valine 71 with phenylalanine.
Molecular consequence: missense variant.
Genome position (GRCh38, 1-based): chr16:15,838,042, C>A on the plus strand (G>T on the coding strand, the complement: MYH11 is on the minus strand). VCF-style: chr16-15838042-C-A. GRCh37 (hg19) VCF-style: chr16-15931899-C-A.
Other names: c.211G>T, p.Val71Phe (NM_001040113.2, NM_001040114.2, NM_022844.3); short protein forms V71F.
Identifiers: ClinVar variation 3901524 (VCV003901524.1).
Genomic context (GRCh38, chr16:15,838,042, plus strand): 5'-CCATGTCCTCCACCTTGGAGAACTTGGGTGGGTTCATCTTCTGGATGTCATCTTTCCCAA[C>A]CGTGACCTTCTTGCCATTCTCCACCAGCTCCACAACCACCTCATCCCCCTTCTCCTCCTT-3'
Protein context (NP_002465.1, residues 61-81): ELVENGKKVT[Val71Phe]GKDDIQKMNP